The following is an entry in ClinVar:

ClinVar aggregate classification (germline): Uncertain significance (1 of 4 stars; one submission).

gnomAD v4.1: 2 of 1,614,088 alleles (0.00012%); highest among the groups gnomAD compares: Non-Finnish European, 0.00017%; no homozygotes.

Submission:

GeneDx
Classification: Uncertain significance. Last evaluated: 2023-10-12. Review status: criteria provided, single submitter. Criteria: GeneDx Variant Classification Process June 2021. Collection method: clinical testing. Allele origin: germline. Affected: yes.
Comment: Not observed at significant frequency in large population cohorts (gnomAD); In silico analysis supports that this missense variant has a deleterious effect on protein structure/function; Has not been previously published as pathogenic or benign to our knowledge

NM_007118.4(TRIO):c.4700A>G (p.Asn1567Ser)

Gene: TRIO (trio Rho guanine nucleotide exchange factor; plus strand). Cytogenetic location: 5p15.2.
Variant type: single nucleotide variant.
Coding change: c.4700A>G on transcript NM_007118.4 (MANE Select); coding-DNA position 4700, A replaced by G.
Protein change: p.Asn1567Ser; replaces asparagine 1567 with serine.
Molecular consequence: missense variant. On other transcripts: non-coding transcript variant (1).
Genome position (GRCh38, 1-based): chr5:14,401,048, A>G. VCF-style: chr5-14401048-A-G. GRCh37 (hg19) VCF-style: chr5-14401157-A-G.
Other names: short protein forms N1567S.
Identifiers: ClinVar variation 3366038 (VCV003366038.1).
Genomic context (GRCh38, chr5:14,401,048, plus strand): 5'-ATGTTGAAGGAGACCCTTGCAAATTTGCACTGTGGGTGGGGAGAACACCAACTTCAGATA[A>G]TAAAATTGTCCTTAAGGTACGTTCATTTGAAGCTGGGAATGTGCTGTTTGAAACATTTAC-3'
Protein context (NP_009049.2, residues 1557-1577): LWVGRTPTSD[Asn1567Ser]KIVLKASSIE